The following is an entry in ClinVar:

ClinVar aggregate classification (germline): Pathogenic (1 of 4 stars; one submission).

Conditions:
Long QT syndrome (LQTS). Identifiers: MedGen C0023976, MeSH D008133, MONDO:0002442. Disease mechanism: loss of function. Inheritance: Various modes of inheritance.

Submission:

Labcorp Genetics (formerly Invitae), Labcorp
Classification: Pathogenic for Long QT syndrome. Last evaluated: 2016-06-08. Review status: criteria provided, single submitter. Criteria: Invitae Variant Classification Sherloc (09022015). Collection method: clinical testing. Allele origin: germline.
Comment: A gross deletion of the genomic region encompassing the full coding sequence of the KCNH2 gene has been identified. The boundaries of this event are unknown as the deletion extends beyond the assayed region for this gene and therefore may encompass additional genes. Although this specific deletion has not been previously reported, loss-of-function variants in KCNH2 are known to be pathogenic. Larger deletions of the 7q36.1,7q34 and 7q26.2 which encompass KCNH2, among other genes, have been previously reported in individuals affected with a range of symptoms including: seizures, long QT, prenatal growth retardation, intellectual disability and renal hyploplasia (PMID: 18348270, 16470702, 25606385, 19443486). For these reasons, this variant has been classified as Pathogenic.

NC_000007.14:g.(?_150944956)_(150978314_?)del

Genes: KCNH2 (potassium voltage-gated channel subfamily H member 2; minus strand), LOC110121275 (VISTA enhancer hs2192; plus strand), LOC129999610 (ATAC-STARR-seq lymphoblastoid silent region 18785; plus strand), LOC129999611 (ATAC-STARR-seq lymphoblastoid silent region 18786; plus strand), LOC129999612 (ATAC-STARR-seq lymphoblastoid silent region 18787; plus strand). Cytogenetic location: 7q36.1.
Variant type: Deletion.
Identifiers: ClinVar variation 417345 (VCV000417345.1).